The following is an entry in ClinVar:

NM_000554.6(CRX):c.211G>A (p.Glu71Lys)

Gene: CRX (cone-rod homeobox; plus strand). Cytogenetic location: 19q13.33.
Variant type: single nucleotide variant.
Coding change: c.211G>A on transcript NM_000554.6 (MANE Select); coding-DNA position 211, G replaced by A.
Protein change: p.Glu71Lys; replaces glutamic acid 71 with lysine.
Molecular consequence: missense variant.
Genome position (GRCh38, 1-based): chr19:47,836,353, G>A. VCF-style: chr19-47836353-G-A. GRCh37 (hg19) VCF-style: chr19-48339610-G-A.
Other names: short protein forms E71K.
Identifiers: ClinVar variation 2197532 (VCV002197532.5), dbSNP rs1206525536, ClinGen allele CA406629740.

ClinVar aggregate classification (germline): Uncertain significance. Review status: criteria provided, multiple submitters, no conflicts (2 of 4 stars). 2 submissions from 2 submitters: Uncertain significance (2). Last evaluated 2024-10-29.

Conditions:
Leber congenital amaurosis 7 (LCA7). Identifiers: Orphanet 65, MedGen C3151192, MONDO:0013449, OMIM 613829.
Cone-rod dystrophy 2 (CORD2). Also called: CONE-ROD RETINAL DYSTROPHY; Cone-rod retinal dystrophy 2. Identifiers: Orphanet 1872, MedGen C3489532, MONDO:0007362, OMIM 120970.

Allele frequency attached by ClinVar (database versions not stated): gnomAD 0.00001; gnomAD exomes 0.00001; TOPMed 0.00001.
gnomAD v4.1: 16 of 1,614,118 alleles (0.00099%); highest among the groups gnomAD compares: Non-Finnish European, 0.0014%; no homozygotes.

Submissions (2):

Labcorp Genetics (formerly Invitae), Labcorp
Classification: Uncertain significance for Cone-rod dystrophy 2; Leber congenital amaurosis 7. Last evaluated: 2024-10-29. Review status: criteria provided, single submitter. Criteria: Invitae Variant Classification Sherloc (09022015). Collection method: clinical testing. Allele origin: germline.
Comment: This sequence change replaces glutamic acid, which is acidic and polar, with lysine, which is basic and polar, at codon 71 of the CRX protein (p.Glu71Lys). This variant is not present in population databases (gnomAD no frequency). This missense change has been observed in individual(s) with autosomal dominant retinitis pigmentosa (PMID: 31047384). ClinVar contains an entry for this variant (Variation ID: 2197532). Invitae Evidence Modeling of protein sequence and biophysical properties (such as structural, functional, and spatial information, amino acid conservation, physicochemical variation, residue mobility, and thermodynamic stability) has been performed for this missense variant. However, the output from this modeling did not meet the statistical confidence thresholds required to predict the impact of this variant on CRX protein function. In summary, the available evidence is currently insufficient to determine the role of this variant in disease. Therefore, it has been classified as a Variant of Uncertain Significance.

Blueprint Genetics
Classification: Uncertain significance. Last evaluated: 2022-03-16. Review status: criteria provided, single submitter. Criteria: ACMG Guidelines, 2015. Collection method: clinical testing. Allele origin: germline.

Literature cited by the submitters: PubMed 31047384 (cited by Labcorp Genetics (formerly Invitae), Labcorp).